The following is an entry in ClinVar:

ClinVar aggregate classification (germline): Uncertain significance. Review status: criteria provided, multiple submitters, no conflicts (2 of 4 stars). 5 submissions from 5 submitters: Uncertain significance (5). Last evaluated 2026-01-15.

Conditions:
Regional enteritis. Also called: Enteritis, Granulomatous. Identifiers: MedGen C0678202, MeSH D003424.
Blau syndrome (BLAUS). Also called: ARTHROCUTANEOUVEAL GRANULOMATOSIS; GRANULOMATOSIS, FAMILIAL JUVENILE SYSTEMIC; GRANULOMATOSIS, FAMILIAL, BLAU TYPE; GRANULOMATOUS INFLAMMATORY ARTHRITIS, DERMATITIS, AND UVEITIS, FAMILIAL; JABS SYNDROME. Identifiers: Orphanet 90340, MedGen C5201146, MONDO:0008523, OMIM 186580.

Allele frequency attached by ClinVar (database versions not stated): ExAC 0.00011; gnomAD exomes 0.00013 and 0.00020; gnomAD 0.00014; ESP Exome Variant Server 0.00016; TOPMed 0.00019.

Submissions (5):

GeneDx
Classification: Uncertain significance. Last evaluated: 2026-01-15. Review status: criteria provided, single submitter. Criteria: GeneDx Variant Classification Process June 2021. Collection method: clinical testing. Allele origin: germline. Affected: yes.
Comment: In silico analysis supports a deleterious effect on splicing; Has not been previously published as pathogenic or benign to our knowledge

Labcorp Genetics (formerly Invitae), Labcorp
Classification: Uncertain significance for Regional enteritis; Blau syndrome. Last evaluated: 2025-10-08. Review status: criteria provided, single submitter. Criteria: Invitae Variant Classification Sherloc (09022015). Collection method: clinical testing. Allele origin: germline.
Comment: This sequence change falls in intron 5 of the NOD2 gene. It does not directly change the encoded amino acid sequence of the NOD2 protein. It affects a nucleotide within the consensus splice site. This variant is present in population databases (rs748508924, gnomAD 0.02%). This variant has not been reported in the literature in individuals affected with NOD2-related conditions. ClinVar contains an entry for this variant (Variation ID: 418716). Variants that disrupt the consensus splice site are a relatively common cause of aberrant splicing (PMID: 17576681, 9536098). Algorithms developed to predict the effect of sequence changes on RNA splicing suggest that this variant may disrupt the consensus splice site. In summary, the available evidence is currently insufficient to determine the role of this variant in disease. Therefore, it has been classified as a Variant of Uncertain Significance.

Blueprint Genetics
Classification: Uncertain significance. Last evaluated: 2024-03-06. Review status: criteria provided, single submitter. Criteria: ACMG Guidelines, 2015. Collection method: clinical testing. Allele origin: germline.

ARUP Laboratories, Molecular Genetics and Genomics, ARUP Laboratories
Classification: Uncertain significance. Last evaluated: 2023-02-15. Review status: criteria provided, single submitter. Criteria: ARUP Molecular Germline Variant Investigation Process 2024. Collection method: clinical testing. Allele origin: germline.
Comment: The NOD2 c.2546+2dup variant (rs748508924), to our knowledge, is not reported in the medical literature but is reported in ClinVar (Variation ID: 418716). This variant is observed in the general population with an overall allele frequency of 0.01% (36/282564 alleles) in the Genome Aggregation Database. Computational analyses (Alamut v.2.11) predict that this variant may impact splicing by disrupting the nearby canonical donor splice site. However, loss-of-function variants are not an established mechanism of disease for Blau syndrome, but have been associated with an increased risk for Crohn's disease (Huang 2017). Due to limited information, the clinical significance of this variant is uncertain at this time. References: Huang H et al. Fine-mapping inflammatory bowel disease loci to single-variant resolution. Nature. 2017 Jul 13;547(7662):173-178. PMID: 28658209.

Department of Pathology and Laboratory Medicine, Sinai Health System
Classification: Uncertain significance for Blau syndrome. Last evaluated: 2022-01-14. Review status: criteria provided, single submitter. Criteria: ACMG Guidelines, 2015. Collection method: research. Allele origin: germline.

Literature cited by the submitters: PubMed 17576681 (cited by Labcorp Genetics (formerly Invitae), Labcorp); PubMed 9536098 (cited by Labcorp Genetics (formerly Invitae), Labcorp).

NM_001370466.1(NOD2):c.2465+2dup

Gene: NOD2 (nucleotide binding oligomerization domain containing 2; plus strand). Cytogenetic location: 16q12.1.
Variant type: Duplication.
Coding change: c.2465+2dup on transcript NM_001370466.1 (MANE Select); the canonical splice donor site of the intron after coding-DNA position 2465, one base duplicated (T; older notation c.2465+2dupT).
Molecular consequence: splice donor variant.
Genome position (GRCh38, 1-based): chr16:50,716,672, T duplicated. VCF-style (leftmost placement, unchanged base first): chr16-50716671-G-GT. GRCh37 (hg19) VCF-style: chr16-50750582-G-GT.
Other names: c.2546+2dup (LRG_177t1, NM_022162.3); c.2465+2dup (NM_001293557.2).
Identifiers: ClinVar variation 418716 (VCV000418716.17), dbSNP rs748508924, ClinGen allele CA8051818.